The following is an entry in ClinVar:

ClinVar aggregate classification (germline): Likely benign. Review status: criteria provided, single submitter (1 of 4 stars). 2 submissions from 2 submitters: Likely benign (1). 1 of the submissions does not count toward it. Last evaluated 2018-11-27.

Conditions:
PTPRQ-related disorder. Also called: PTPRQ-related condition.

Allele frequency attached by ClinVar (database versions not stated): gnomAD 0.00008 and 0.00009; gnomAD exomes 0.00011; TOPMed 0.00011; ExAC 0.00031.
gnomAD v4.1: 71 of 1,415,200 alleles (0.005%); highest among the groups gnomAD compares: African/African-American, 0.022%; no homozygotes.

Submissions (2):

GeneDx
Classification: Likely benign. Last evaluated: 2018-11-27. Review status: criteria provided, single submitter. Criteria: GeneDx Variant Classification Process June 2021. Collection method: clinical testing. Allele origin: germline. Affected: yes.

PreventionGenetics, part of Exact Sciences
Classification: Likely benign for PTPRQ-related condition. Last evaluated: 2019-06-11. Review status: no assertion criteria provided. Collection method: clinical testing. Allele origin: germline. Not counted in ClinVar's aggregate classification.
Comment: This variant is classified as likely benign based on ACMG/AMP sequence variant interpretation guidelines (Richards et al. 2015 PMID: 25741868, with internal and published modifications).

NM_001145026.2(PTPRQ):c.54+7C>T

Gene: PTPRQ (protein tyrosine phosphatase receptor type Q; plus strand). Cytogenetic location: 12q21.31.
Variant type: single nucleotide variant.
Coding change: c.54+7C>T on transcript NM_001145026.2 (MANE Select); 7 bases into the intron after coding-DNA position 54, C replaced by T.
Molecular consequence: intron variant.
Genome position (GRCh38, 1-based): chr12:80,444,406, C>T. VCF-style: chr12-80444406-C-T. GRCh37 (hg19) VCF-style: chr12-80838186-C-T.
Other names: c.54+7C>T (NM_001145026.1).
Identifiers: ClinVar variation 1200832 (VCV001200832.5), dbSNP rs750110116, ClinGen allele CA6702285.